The following is an entry in ClinVar:

NM_001278716.2(FBXL4):c.513-16T>C

Gene: FBXL4 (F-box and leucine rich repeat protein 4; minus strand). Cytogenetic location: 6q16.2.
Variant type: single nucleotide variant.
Coding change: c.513-16T>C on transcript NM_001278716.2 (MANE Select); 16 bases into the intron before coding-DNA position 513, T replaced by C.
Molecular consequence: intron variant.
Genome position (GRCh38, 1-based): chr6:98,917,735, A>G on the plus strand (T>C on the coding strand, the complement: FBXL4 is on the minus strand). VCF-style: chr6-98917735-A-G. GRCh37 (hg19) VCF-style: chr6-99365611-A-G.
Other names: c.513-16T>C (NM_012160.5).
Identifiers: ClinVar variation 437586 (VCV000437586.1), dbSNP rs781164933, ClinGen allele CA3933668.

ClinVar aggregate classification (germline): Uncertain significance (1 of 4 stars; one submission).

Conditions:
Mitochondrial DNA depletion syndrome 13. Also called: FBXL4-Related Encephalomyopathic Mitochondrial DNA Depletion Syndrome; Mitochondrial DNA depletion syndrome 13 (encephalomyopathic type). Identifiers: Orphanet 369897, MedGen C3809592, MONDO:0014198, OMIM 615471.

Allele frequency attached by ClinVar (database versions not stated): gnomAD exomes below 0.00001 and 0.00001; ExAC 0.00002.
gnomAD v4.1: 3 of 1,561,968 alleles (0.00019%); highest among the groups gnomAD compares: Non-Finnish European, 0.00026%; no homozygotes.

Submission:

Wong Mito Lab, Molecular and Human Genetics, Baylor College of Medicine
Classification: Uncertain significance for Mitochondrial DNA depletion syndrome 13. Last evaluated: 2017-08-10. Review status: criteria provided, single submitter. Criteria: ACMG Guidelines, 2015. Collection method: reference population. Allele origin: germline.
Comment: The NM_012160.4:c.513-16T>C (NP_036292.2:p.=) [GRCH38: NC_000006.12:g.98917735A>G] variant in FBXL4 gene is interpretated to be a Uncertain Significance - Insufficient Evidence based on ACMG guidelines (PMID: 25741868). This variant meets one or more of the following evidence codes reported in the ACMG-guideline. PM2:This variant is absent in key population databases. Based on this evidence code ClinGen Pathogenicity Calculator (PMID:28081714) suggested that the variant is Uncertain Significance - Insufficient Evidence.